The following is an entry in ClinVar:

NM_004612.4(TGFBR1):c.*4578T>G

Gene: TGFBR1 (transforming growth factor beta receptor 1; plus strand). Cytogenetic location: 9q22.33.
Variant type: single nucleotide variant.
Coding change: c.*4578T>G on transcript NM_004612.4 (MANE Select); 4578 bases downstream of the stop codon, T replaced by G.
Molecular consequence: 3 prime UTR variant.
Genome position (GRCh38, 1-based): chr9:99,153,883, T>G. VCF-style: chr9-99153883-T-G. GRCh37 (hg19) VCF-style: chr9-101916165-T-G.
Other names: c.*4578T>G (NM_001130916.3, NM_001306210.2).
Identifiers: ClinVar variation 364189 (VCV000364189.9), dbSNP rs1590, ClinGen allele CA10630737.

ClinVar aggregate classification (germline): Benign. Review status: criteria provided, multiple submitters, no conflicts (2 of 4 stars). 3 submissions from 3 submitters: Benign (3). Last evaluated 2021-02-26.

Conditions:
Loeys-Dietz syndrome 1 (LDS1). Also called: AORTIC ANEURYSM, FAMILIAL THORACIC 5; TGFBR1-Related Loeys-Dietz Syndrome; FURLONG SYNDROME. Identifiers: Orphanet 60030, MedGen C4551955, MONDO:0012212, OMIM 609192.

Allele frequency attached by ClinVar (database versions not stated): gnomAD 0.28501; TOPMed 0.28669; gnomAD exomes 0.31141; 1000 Genomes Project 30x 0.31668; 1000 Genomes Project 0.32987.
gnomAD v4.1: 61,769 of 212,666 alleles (29%); highest among the groups gnomAD compares: East Asian, 52%; 9,573 homozygotes.

Submissions (3):

GeneDx
Classification: Benign. Last evaluated: 2021-02-26. Review status: criteria provided, single submitter. Criteria: GeneDx Variant Classification Process June 2021. Collection method: clinical testing. Allele origin: germline. Affected: yes.
Comment: This variant is associated with the following publications: (PMID: 29971498)

Illumina Laboratory Services, Illumina
Classification: Benign for Loeys-Dietz syndrome 1. Last evaluated: 2018-01-13. Review status: criteria provided, single submitter. Criteria: ICSL Variant Classification Criteria 13 December 2019. Collection method: clinical testing. Allele origin: germline.
Comment: This variant was observed in the ICSL laboratory as part of a predisposition screen in an ostensibly healthy population. It had not been previously curated by ICSL or reported in the Human Gene Mutation Database (HGMD: prior to June 1st, 2018), and was therefore a candidate for classification through an automated scoring system. Utilizing variant allele frequency, disease prevalence and penetrance estimates, and inheritance mode, an automated score was calculated to assess if this variant is too frequent to cause the disease. Based on the score and internal cut-off values, a variant classified as benign is not then subjected to further curation. The score for this variant resulted in a classification of benign for this disease.

Breakthrough Genomics
Classification: Benign. Review status: criteria provided, single submitter. Criteria: ACMG Guidelines, 2015. Collection method: not provided. Allele origin: germline. Inheritance: Autosomal dominant inheritance. Affected: yes.